The following is an entry in ClinVar:

ClinVar aggregate classification (germline): Benign. Review status: criteria provided, multiple submitters, no conflicts (2 of 4 stars). 2 submissions from 2 submitters: Benign (2). Last evaluated 2018-01-12.

Conditions:
Aneurysm-osteoarthritis syndrome. Also called: SMAD3-Related Loeys-Dietz Syndrome; Loeys-Dietz syndrome, type 1C; ANEURYSMS-OSTEOARTHRITIS SYNDROME; LOEYS-DIETZ SYNDROME WITH OSTEOARTHRITIS. Identifiers: Orphanet 284984, MedGen C3151087, MONDO:0013426, OMIM 613795.

Allele frequency attached by ClinVar (database versions not stated): gnomAD 0.19244 and 0.20087; TOPMed 0.20709; 1000 Genomes Project 30x 0.24781; 1000 Genomes Project 0.25339; gnomAD exomes 0.27006.
gnomAD v4.1: 52,188 of 232,796 alleles (22%); highest among the groups gnomAD compares: East Asian, 48%; 7,174 homozygotes.

Submissions (2):

Illumina Laboratory Services, Illumina
Classification: Benign for Aneurysm-osteoarthritis syndrome. Last evaluated: 2018-01-12. Review status: criteria provided, single submitter. Criteria: ICSL Variant Classification Criteria 13 December 2019. Collection method: clinical testing. Allele origin: germline.
Comment: This variant was observed in the ICSL laboratory as part of a predisposition screen in an ostensibly healthy population. It had not been previously curated by ICSL or reported in the Human Gene Mutation Database (HGMD: prior to June 1st, 2018), and was therefore a candidate for classification through an automated scoring system. Utilizing variant allele frequency, disease prevalence and penetrance estimates, and inheritance mode, an automated score was calculated to assess if this variant is too frequent to cause the disease. Based on the score and internal cut-off values, a variant classified as benign is not then subjected to further curation. The score for this variant resulted in a classification of benign for this disease.

Breakthrough Genomics
Classification: Benign. Review status: criteria provided, single submitter. Criteria: ACMG Guidelines, 2015. Collection method: not provided. Allele origin: germline. Inheritance: Autosomal dominant inheritance. Affected: yes.

NM_005902.4(SMAD3):c.*1105G>A

Gene: SMAD3 (SMAD family member 3; plus strand). Cytogenetic location: 15q22.33.
Variant type: single nucleotide variant.
Coding change: c.*1105G>A on transcript NM_005902.4 (MANE Select); 1105 bases downstream of the stop codon, G replaced by A.
Molecular consequence: 3 prime UTR variant.
Genome position (GRCh38, 1-based): chr15:67,191,641, G>A. VCF-style: chr15-67191641-G-A. GRCh37 (hg19) VCF-style: chr15-67483979-G-A.
Other names: c.*1105G>A (NM_001145102.2, NM_001145103.2, NM_001145104.2).
Identifiers: ClinVar variation 316892 (VCV000316892.7), dbSNP rs8031440, ClinGen allele CA10646507.
Genomic context (GRCh38, chr15:67,191,641, plus strand): 5'-CTGAGTGAGACCCAGCAACTGCTTCTCTCCCTTCTCTCTCCTGAGGTGAAGCTTTTCCAG[G>A]TTTTGTTGAAGAGATACCTGCCAGCACTTCTGCAAGCTGAAATTTACAGAAGCAAATTCA-3'